The following is an entry in ClinVar:

ClinVar aggregate classification (germline): Likely pathogenic (1 of 4 stars; one submission).

Submission:

CeGaT Center for Human Genetics Tuebingen
Classification: Likely pathogenic. Last evaluated: 2025-10-01. Review status: criteria provided, single submitter. Criteria: CeGaT Center For Human Genetics Tuebingen Variant Classification Criteria Version 2. Collection method: clinical testing. Allele origin: germline. Affected: yes. Observed: 1 variant allele.
Comment: MYLK: PVS1, PM2:Supporting

NM_053025.4(MYLK):c.807del (p.Asp270fs)

Gene: MYLK (myosin light chain kinase; minus strand). Cytogenetic location: 3q21.1.
Variant type: Deletion.
Coding change: c.807del on transcript NM_053025.4 (MANE Select); coding-DNA position 807, one base deleted (A; older notation c.807delA).
Protein change: p.Asp270fs; shifts the reading frame from aspartic acid 270.
Molecular consequence: frameshift variant.
Genome position (GRCh38, 1-based): chr3:123,734,189, T deleted on the plus strand (A on the coding strand, the reverse complement: MYLK is on the minus strand). VCF-style (leftmost placement, unchanged base first): chr3-123734188-CT-C. GRCh37 (hg19) VCF-style: chr3-123453035-CT-C.
Other names: c.279del, p.Asp94fs (NM_001321309.2); c.807del, p.Asp270fs (NM_053026.4, NM_053027.4, NM_053028.4); short protein forms D270fs, D94fs.
Identifiers: ClinVar variation 4534817 (VCV004534817.6).